The following is an entry in ClinVar:

NM_000051.4(ATM):c.8121C>T (p.Ser2707=)

Genes: ATM (ATM serine/threonine kinase; plus strand), C11orf65 (chromosome 11 open reading frame 65; minus strand). Cytogenetic location: 11q22.3.
Variant type: single nucleotide variant.
Coding change: c.8121C>T on transcript NM_000051.4 (MANE Select); coding-DNA position 8121, C replaced by T.
Protein change: p.Ser2707=; no amino-acid change (serine 2707 retained).
Molecular consequence: synonymous variant. On other transcripts: intron variant (2).
Genome position (GRCh38, 1-based): chr11:108,335,079, C>T. VCF-style: chr11-108335079-C-T. GRCh37 (hg19) VCF-style: chr11-108205806-C-T.
Other names: c.8121C>T, p.Ser2707= (NM_001351834.2); c.641-26008G>A (NM_001330368.2); c.*38+141G>A (NM_001351110.2).
Identifiers: ClinVar variation 236784 (VCV000236784.20), dbSNP rs770138283, ClinGen allele CA6266276.

ClinVar aggregate classification (germline): Benign/Likely benign. Review status: criteria provided, multiple submitters, no conflicts (2 of 4 stars). 7 submissions from 7 submitters: Benign (1); Likely benign (6). Last evaluated 2025-04-28.

Conditions:
Hereditary cancer-predisposing syndrome. Also called: Neoplastic Syndromes, Hereditary; Hereditary neoplastic syndrome; Tumor predisposition; Hereditary Cancer Syndrome. Identifiers: Orphanet 140162, MedGen C0027672, MeSH D009386, MONDO:0015356.
Familial cancer of breast. Also called: hereditary breast carcinoma; Hereditary breast cancer; BREAST CANCER, FAMILIAL. Identifiers: Orphanet 227535, MedGen C0346153, MONDO:0016419, OMIM 114480. Disease mechanism: loss of function.
Ataxia-telangiectasia syndrome (AT). Also called: Ataxia telangiectasia (A-T); Cerebello-oculocutaneous telangiectasia; Immunodeficiency with ataxia telangiectasia; LOUIS-BAR SYNDROME; AT, COMPLEMENTATION GROUP C; ATAXIA-TELANGIECTASIA, FRESNO VARIANT. Identifiers: Orphanet 100, MedGen C0004135, MONDO:0008840, OMIM 208900.

Allele frequency attached by ClinVar (database versions not stated): gnomAD exomes below 0.00001 and 0.00001; gnomAD 0.00002 and 0.00001; ExAC 0.00001; TOPMed 0.00001.
gnomAD v4.1: 17 of 1,613,892 alleles (0.0011%); highest among the groups gnomAD compares: Admixed American, 0.0033%; no homozygotes.

Submissions (7):

Labcorp Genetics (formerly Invitae), Labcorp
Classification: Likely benign for Ataxia-telangiectasia syndrome. Last evaluated: 2025-04-28. Review status: criteria provided, single submitter. Criteria: Invitae Variant Classification Sherloc (09022015). Collection method: clinical testing. Allele origin: germline.

Myriad Genetics, Inc.
Classification: Benign for Familial cancer of breast. Last evaluated: 2024-06-18. Review status: criteria provided, single submitter. Criteria: Myriad Autosomal Dominant, Autosomal Recessive and X-Linked Classification Criteria (2023). Collection method: clinical testing. Allele origin: unknown.
Comment: This variant is considered benign. This variant is a silent/synonymous amino acid change and it is not expected to impact splicing.

Women's Health and Genetics/Laboratory Corporation of America, LabCorp
Classification: Likely benign. Last evaluated: 2022-04-19. Review status: criteria provided, single submitter. Criteria: LabCorp Variant Classification Summary - May 2015. Collection method: clinical testing. Allele origin: germline.

Blueprint Genetics
Classification: Likely benign. Last evaluated: 2020-12-17. Review status: criteria provided, single submitter. Criteria: ACMG Guidelines, 2015. Collection method: clinical testing. Allele origin: germline.

GeneDx
Classification: Likely benign. Last evaluated: 2019-07-09. Review status: criteria provided, single submitter. Criteria: GeneDx Variant Classification Process June 2021. Collection method: clinical testing. Allele origin: germline. Affected: yes.

Color Diagnostics, LLC DBA Color Health
Classification: Likely benign for Hereditary cancer-predisposing syndrome. Last evaluated: 2017-10-27. Review status: criteria provided, single submitter. Criteria: ACMG Guidelines, 2015. Collection method: clinical testing. Allele origin: germline.

Ambry Genetics
Classification: Likely benign for Hereditary cancer-predisposing syndrome. Last evaluated: 2016-07-09. Review status: criteria provided, single submitter. Criteria: Ambry Variant Classification Scheme 2023. Collection method: clinical testing. Allele origin: germline.